The following is an entry in ClinVar:

ClinVar aggregate classification (germline): Conflicting classifications of pathogenicity. Review status: criteria provided, conflicting classifications (1 of 4 stars). 21 submissions from 21 submitters: Uncertain significance (17); Likely benign (1). 3 of the submissions do not count toward it. Last evaluated 2025-12-18.

Conditions:
CHEK2-related disorder.
Hereditary cancer-predisposing syndrome. Also called: Hereditary neoplastic syndrome; Hereditary Cancer Syndrome; Tumor predisposition; Neoplastic Syndromes, Hereditary. Identifiers: Orphanet 140162, MedGen C0027672, MeSH D009386, MONDO:0015356.
Hereditary breast ovarian cancer syndrome. Also called: Breast and ovarian cancer; Hereditary breast and/or ovarian cancer syndrome; Hereditary breast and ovarian cancer; Hereditary breast and ovarian cancer syndrome; BRCA1- and BRCA2-Associated Hereditary Breast and Ovarian Cancer; Hereditary breast and ovarian cancer syndrome (HBOC). Identifiers: Orphanet 145, MedGen C0677776, MeSH D061325, MONDO:0003582. Disease mechanism: loss of function.
Prostate cancer. Also called: Malignant tumor of prostate. Identifiers: Orphanet 1331, MedGen C0376358, MONDO:0008315, HP:0012125.
Familial cancer of breast. Also called: Hereditary breast cancer; hereditary breast carcinoma; BREAST CANCER, FAMILIAL. Identifiers: Orphanet 227535, MedGen C0346153, MONDO:0016419, OMIM 114480. Disease mechanism: loss of function.
Malignant tumor of breast. Also called: Cancer breast; Malignant breast neoplasm. Identifiers: MedGen C0006142, MONDO:0007254. Disease mechanism: loss of function.

Allele frequency attached by ClinVar (database versions not stated): gnomAD 0.00006 and 0.00007; ExAC 0.00003; 1000 Genomes Project 30x 0.00016; 1000 Genomes Project 0.00020; TOPMed 0.00006.
gnomAD v4.1: 90 of 1,613,908 alleles (0.0056%); highest among the groups gnomAD compares: Admixed American, 0.017%; no homozygotes.

Submissions 1 to 8 of 21:

PreventionGenetics, part of Exact Sciences
Classification: Uncertain significance for CHEK2-related condition. Last evaluated: 2025-12-18. Review status: criteria provided, single submitter. Criteria: ACMG Guidelines, 2015. Collection method: clinical testing. Allele origin: germline.
Comment: The CHEK2 c.539G>A variant is predicted to result in the amino acid substitution p.Arg180His. This variant has been identified in individuals with prostate, breast, and colon cancers, as well as neuroblastoma (Dong et al. 2003. PubMed ID: 12533788; eTable2, Pearlman et al. 2017. PubMed ID: 27978560; Kleiblova et al. 2019. PubMed ID: 31050813). In vivo functional analysis using a yeast system were inconclusive (Table 1, Delimitsou et al. 2019. PubMed ID: 30851065). Another study showed reduced CHEK2 expression and protein stability compared to wild type (Sodha et al. 2006. PubMed ID: 16982735). This variant is reported in 0.023% of alleles in individuals of Latino descent in gnomAD and is interpreted as a variant of uncertain significance by the vast majority of clinical laboratories in ClinVar (Variation ID: 5596). At this time, the clinical significance of this variant is uncertain due to the absence of conclusive functional and genetic evidence.

Mayo Clinic Laboratories, Mayo Clinic
Classification: Uncertain significance. Last evaluated: 2025-09-14. Review status: criteria provided, single submitter. Criteria: ACMG Guidelines, 2015. Collection method: clinical testing. Allele origin: germline. Observed: 1 variant allele.
Comment: BS3_supporting, PP2

Women's Health and Genetics/Laboratory Corporation of America, LabCorp
Classification: Uncertain significance. Last evaluated: 2025-09-03. Review status: criteria provided, single submitter. Criteria: LabCorp Variant Classification Summary - May 2015. Collection method: clinical testing. Allele origin: germline.
Comment: Variant summary: CHEK2 c.539G>A (p.Arg180His) results in a non-conservative amino acid change located in the Forkhead-associated (FHA) domain of the encoded protein sequence. Algorithms developed to predict the effect of missense changes on protein structure and function are either unavailable or do not agree on the potential impact of this missense change. The variant allele was found at a frequency of 6.3e-05 in 253624 control chromosomes. This frequency is not significantly higher than estimated for disease-causing variants in CHEK2, allowing no conclusion about variant significance. c.539G>A has been reported in individuals affected with various types of cancers including breast cancer, prostate cancer, colorectal cancer (Desrichard_2011, Dong_2003, Pearlman_2016, Penkert_2018, Sodha_2002, van Puijenbroek_2005, Young_2016, Kleiblova_2019, Tsaousis_2019, Pereira_2022). These report(s) do not provide unequivocal conclusions about association of the variant with Hereditary Breast And Ovarian Cancer Syndrome. Co-occurrences with other pathogenic variant(s) have been reported (CHEK2 c.1100delC, p.Thr367fs), providing supporting evidence for a benign role. Functional studies indicate that the variant slightly effects protein expression, stability and kinase activity as measured by activation in response to etoposide induced DNA damage (Sodha_2002). However, this data does not allow convincing conclusions about the variant effect. The following publications have been ascertained in the context of this evaluation (PMID: 12533788, 21244692, 26787654, 12454775, 16982735, 22114986, 27978560, 30086788, 15818573, 30851065, 31159747, 31050813, 35980532). ClinVar contains an entry for this variant (Variation ID: 5596). Based on the evidence outlined above, the variant was classified as uncertain significance.

GeneDx
Classification: Uncertain significance. Last evaluated: 2025-07-25. Review status: criteria provided, single submitter. Criteria: GeneDx Variant Classification Process June 2021. Collection method: clinical testing. Allele origin: germline. Affected: yes.
Comment: Observed in individuals with CHEK2-related and other cancers, some of whom had pathogenic variants in other genes (PMID: 12454775, 12533788, 23334666, 27978560, 30086788, 32923877); Published functional studies demonstrate normal phosphorylation in response to DNA damage, but partially reduced protein expression and stability, and mixed results for kinase activity (PMID: 16982735, 22114986, 30851065, 31050813, 37449874); In silico analysis supports that this missense variant has a deleterious effect on protein structure/function; Not observed at significant frequency in large population cohorts (gnomAD); This variant is associated with the following publications: (PMID: 25629968, 18167186, 21244692, 18085035, 19782031, 15239132, 22385513, 16982735, 12454775, 12533788, 23334666, 22114986, 26787654, 15818573, 27978560, 28055978, 30851065, 30086788, 31050813, 31159747, 22419737, 32923877, 35980532, 36980535, 36983691, 33471991, 37449874)

Center for Genomic Medicine, Rigshospitalet, Copenhagen University Hospital
Classification: Uncertain significance. Last evaluated: 2025-03-04. Review status: criteria provided, single submitter. Criteria: ACMG Guidelines, 2015. Collection method: clinical testing. Allele origin: germline.

Labcorp Genetics (formerly Invitae), Labcorp
Classification: Uncertain significance for Familial cancer of breast. Last evaluated: 2025-01-23. Review status: criteria provided, single submitter. Criteria: Invitae Variant Classification Sherloc (09022015). Collection method: clinical testing. Allele origin: germline.
Comment: This sequence change replaces arginine, which is basic and polar, with histidine, which is basic and polar, at codon 180 of the CHEK2 protein (p.Arg180His). This variant is present in population databases (rs137853009, gnomAD 0.03%). This missense change has been observed in individual(s) with prostate cancer, breast cancer, colorectal cancer, and neuroblastoma (PMID: 12454775, 12533788, 23334666, 27978560, 30086788, 31159747, 32923877). ClinVar contains an entry for this variant (Variation ID: 5596). An algorithm developed to predict the effect of missense changes on protein structure and function (PolyPhen-2) suggests that this variant¬†is likely to be tolerated. Experimental studies are conflicting or provide insufficient evidence to determine the effect of this variant on CHEK2 function (PMID: 16982735, 22114986). In summary, the available evidence is currently insufficient to determine the role of this variant in disease. Therefore, it has been classified as a Variant of Uncertain Significance.

Genetic Services Laboratory, University of Chicago
Classification: Uncertain significance. Last evaluated: 2024-08-07. Review status: criteria provided, single submitter. Criteria: ACMG Guidelines, 2015. Collection method: clinical testing. Allele origin: germline. Affected: no.
Comment: DNA sequence analysis of the CHEK2 gene demonstrated a sequence change, c.539G>A, in exon 4 that results in an amino acid change, p.Arg180His. This sequence change has been previously described in individuals with breast cancer, colorectal cancer, neuroblastoma, and prostate cancer (PMID: 12533788, 31050813, 12454775, 23334666, 27978560, 30086788, 22114986). Functional studies about this variant did not provide conclusive evidence regarding pathogenicity of this variant, some studies demonstrating low or intermediate levels of functional impairment (PMID: 16982735 , 22114986, 30851065, 31050813) This sequence change has been described in the gnomAD database with a frequency of 0.0016% (dbSNP rs137853009). The p.Arg180His change affects a poorly conserved amino acid residue located in a domain of the CHEK2 protein that is known to be functional. In-silico pathogenicity prediction tools (SIFT, PolyPhen2, Align GVGD, REVEL) provide contradictory results for the p.Arg180His substitution. Due to insufficient evidences and the lack of functional studies, the clinical significance of the p.Arg180His change remains unknown at this time.

German Consortium for Hereditary Breast and Ovarian Cancer, University Hospital Cologne
Classification: Uncertain significance for Hereditary breast ovarian cancer syndrome. Last evaluated: 2024-05-13. Review status: criteria provided, single submitter. Criteria: ACMG Guidelines, 2015. Collection method: curation. Allele origin: germline.
Comment: According to the ACMG SVI adaptation criteria we chose this criterion: BS3 (strong benign): Kleibova und Stolarova: functional, (Delimitsou 2019: intermed; Sodha 2006: fully activated but reduced expression levels and less stable)

NM_007194.4(CHEK2):c.539G>A (p.Arg180His)

Gene: CHEK2 (checkpoint kinase 2; minus strand). Cytogenetic location: 22q12.1.
Variant type: single nucleotide variant.
Coding change: c.539G>A on transcript NM_007194.4 (MANE Select); coding-DNA position 539, G replaced by A.
Protein change: p.Arg180His; replaces arginine 180 with histidine.
Molecular consequence: missense variant. On other transcripts: 5 prime UTR variant (2), intron variant (1).
Genome position (GRCh38, 1-based): chr22:28,725,030, C>T on the plus strand (G>A on the coding strand, the complement: CHEK2 is on the minus strand). VCF-style: chr22-28725030-C-T. GRCh37 (hg19) VCF-style: chr22-29121018-C-T.
Other names: p.R180H:CGC>CAC; c.668G>A, p.Arg223His (NM_001005735.3, NM_001438294.1); c.-239G>A (NM_001257387.3); c.-125G>A (NM_001437942.1); c.632G>A, p.Arg211His (NM_001438293.1, NM_001438295.1); c.539G>A, p.Arg180His (NM_145862.3); c.445-107G>A (NM_001349956.3); short protein forms R180H, R223H, R211H.
Identifiers: ClinVar variation 5596 (VCV000005596.46), dbSNP rs137853009, ClinGen allele CA117639.